The following is an entry in ClinVar:

NM_005591.4(MRE11):c.331T>G (p.Tyr111Asp)

Gene: MRE11 (MRE11 double strand break repair nuclease; minus strand). Cytogenetic location: 11q21.
Variant type: single nucleotide variant.
Coding change: c.331T>G on transcript NM_005591.4 (MANE Select); coding-DNA position 331, T replaced by G.
Protein change: p.Tyr111Asp; replaces tyrosine 111 with aspartic acid.
Molecular consequence: missense variant.
Genome position (GRCh38, 1-based): chr11:94,479,745, A>C on the plus strand (T>G on the coding strand, the complement: MRE11 is on the minus strand). VCF-style: chr11-94479745-A-C. GRCh37 (hg19) VCF-style: chr11-94212911-A-C.
Other names: c.331T>G, p.Tyr111Asp (NM_001330347.2, NM_005590.4); short protein forms Y111D.
Identifiers: ClinVar variation 534776 (VCV000534776.12), dbSNP rs1555015455, ClinGen allele CA382378616.

ClinVar aggregate classification (germline): Uncertain significance. Review status: criteria provided, multiple submitters, no conflicts (2 of 4 stars). 2 submissions from 2 submitters: Uncertain significance (2). Last evaluated 2017-12-05.

Conditions:
Hereditary cancer-predisposing syndrome. Also called: Neoplastic Syndromes, Hereditary; Tumor predisposition; Hereditary Cancer Syndrome; Hereditary neoplastic syndrome. Identifiers: Orphanet 140162, MedGen C0027672, MeSH D009386, MONDO:0015356.
Ataxia-telangiectasia-like disorder (ATLD). Identifiers: MedGen C1858391, MONDO:0011457.

Submissions (2):

Ambry Genetics
Classification: Uncertain significance for Hereditary cancer-predisposing syndrome. Last evaluated: 2017-12-05. Review status: criteria provided, single submitter. Criteria: Ambry Variant Classification Scheme 2023. Collection method: clinical testing. Allele origin: germline.
Comment: The p.Y111D variant (also known as c.331T>G), located in coding exon 4 of the MRE11A gene, results from a T to G substitution at nucleotide position 331. The tyrosine at codon 111 is replaced by aspartic acid, an amino acid with highly dissimilar properties. This amino acid position is highly conserved in available vertebrate species. In addition, this alteration is predicted to be deleterious by in silico analysis. Since supporting evidence is limited at this time, the clinical significance of this alteration remains unclear.

Labcorp Genetics (formerly Invitae), Labcorp
Classification: Uncertain significance for Ataxia-telangiectasia-like disorder. Last evaluated: 2017-09-05. Review status: criteria provided, single submitter. Criteria: Invitae Variant Classification Sherloc (09022015). Collection method: clinical testing. Allele origin: germline.
Comment: This sequence change replaces tyrosine with aspartic acid at codon 111 of the MRE11 protein (p.Tyr111Asp). The tyrosine residue is highly conserved and there is a large physicochemical difference between tyrosine and aspartic acid. This variant is not present in population databases (ExAC no frequency). This variant has not been reported in the literature in individuals with MRE11-related disease. Algorithms developed to predict the effect of missense changes on protein structure and function (SIFT, PolyPhen-2, Align-GVGD) all suggest that this variant is likely to be disruptive, but these predictions have not been confirmed by published functional studies and their clinical significance is uncertain. In summary, the available evidence is currently insufficient to determine the role of this variant in disease. Therefore, it has been classified as a Variant of Uncertain Significance.